The following is an entry in ClinVar:

ClinVar aggregate classification (germline): Uncertain significance (1 of 4 stars; one submission).

Conditions:
Intellectual developmental disorder, autosomal dominant 47. Also called: Intellectual disability, autosomal dominant 47; MENTAL RETARDATION, AUTOSOMAL DOMINANT 47. Identifiers: Orphanet 502434, MedGen C4539951, MONDO:0030912, OMIM 617635.

Submission:

Baylor Genetics
Classification: Uncertain significance for Intellectual developmental disorder, autosomal dominant 47. Last evaluated: 2018-04-19. Review status: criteria provided, single submitter. Criteria: ACMG Guidelines, 2015. Collection method: clinical testing. Allele origin: paternal. Affected: yes.
Comment: This variant was determined to be of uncertain significance according to ACMG Guidelines, 2015 [PMID:25741868].

NM_005862.3(STAG1):c.2254A>C (p.Ile752Leu)

Gene: STAG1 (STAG1 cohesin complex component; minus strand). Cytogenetic location: 3q22.3.
Variant type: single nucleotide variant.
Coding change: c.2254A>C on transcript NM_005862.3 (MANE Select); coding-DNA position 2254, A replaced by C.
Protein change: p.Ile752Leu; replaces isoleucine 752 with leucine.
Molecular consequence: missense variant.
Genome position (GRCh38, 1-based): chr3:136,398,772, T>G on the plus strand (A>C on the coding strand, the complement: STAG1 is on the minus strand). VCF-style: chr3-136398772-T-G. GRCh37 (hg19) VCF-style: chr3-136117614-T-G.
Other names: short protein forms I752L.
Identifiers: ClinVar variation 1032366 (VCV001032366.1), dbSNP rs2087239249, ClinGen allele CA354651060.